The following is an entry in ClinVar:

ClinVar aggregate classification (germline): Uncertain significance (1 of 4 stars; one submission).

Submission:

Labcorp Genetics (formerly Invitae), Labcorp
Classification: Uncertain significance. Last evaluated: 2024-11-11. Review status: criteria provided, single submitter. Criteria: Invitae Variant Classification Sherloc (09022015). Collection method: clinical testing. Allele origin: germline.
Comment: This sequence change replaces glycine, which is neutral and non-polar, with serine, which is neutral and polar, at codon 697 of the ABL1 protein (p.Gly697Ser). This variant is not present in population databases (gnomAD no frequency). This variant has not been reported in the literature in individuals affected with ABL1-related conditions. Invitae Evidence Modeling of protein sequence and biophysical properties (such as structural, functional, and spatial information, amino acid conservation, physicochemical variation, residue mobility, and thermodynamic stability) indicates that this missense variant is not expected to disrupt ABL1 protein function with a negative predictive value of 95%. In summary, the available evidence is currently insufficient to determine the role of this variant in disease. Therefore, it has been classified as a Variant of Uncertain Significance.

NM_005157.6(ABL1):c.2032G>A (p.Gly678Ser)

Gene: ABL1 (ABL proto-oncogene 1, non-receptor tyrosine kinase; plus strand). Cytogenetic location: 9q34.12.
Variant type: single nucleotide variant.
Coding change: c.2032G>A on transcript NM_005157.6 (MANE Select); coding-DNA position 2032, G replaced by A.
Protein change: p.Gly678Ser; replaces glycine 678 with serine.
Molecular consequence: missense variant.
Genome position (GRCh38, 1-based): chr9:130,884,322, G>A. VCF-style: chr9-130884322-G-A. GRCh37 (hg19) VCF-style: chr9-133759709-G-A.
Other names: c.2089G>A, p.Gly697Ser (NM_007313.3); short protein forms G697S, G678S.
Identifiers: ClinVar variation 3680203 (VCV003680203.2).